The following is an entry in ClinVar:

ClinVar aggregate classification (germline): Uncertain significance. Review status: criteria provided, multiple submitters, no conflicts (2 of 4 stars). 3 submissions from 3 submitters: Uncertain significance (3). Last evaluated 2026-04-24.

Allele frequency attached by ClinVar (database versions not stated): ExAC 0.00003; gnomAD 0.00005; ESP Exome Variant Server 0.00008; TOPMed 0.00008.
gnomAD v4.1: 114 of 1,612,942 alleles (0.0071%); highest among the groups gnomAD compares: Non-Finnish European, 0.0084%; no homozygotes.

Submissions (3):

Greenwood Genetic Center Diagnostic Laboratories, Greenwood Genetic Center
Classification: Uncertain significance. Last evaluated: 2026-04-24. Review status: criteria provided, single submitter. Criteria: ACMG Guidelines, 2015. Collection method: clinical testing. Allele origin: germline.
Comment: PM2, BP4

Ambry Genetics
Classification: Uncertain significance. Last evaluated: 2025-09-01. Review status: criteria provided, single submitter. Criteria: Ambry Variant Classification Scheme 2023. Collection method: clinical testing. Allele origin: germline.

Labcorp Genetics (formerly Invitae), Labcorp
Classification: Uncertain significance. Last evaluated: 2024-09-23. Review status: criteria provided, single submitter. Criteria: Invitae Variant Classification Sherloc (09022015). Collection method: clinical testing. Allele origin: germline.
Comment: This sequence change replaces alanine, which is neutral and non-polar, with threonine, which is neutral and polar, at codon 735 of the NFATC1 protein (p.Ala735Thr). This variant is present in population databases (rs372330806, gnomAD 0.01%). This variant has not been reported in the literature in individuals affected with NFATC1-related conditions. ClinVar contains an entry for this variant (Variation ID: 2156517). An algorithm developed to predict the effect of missense changes on protein structure and function outputs the following: PolyPhen-2: "Benign". The threonine amino acid residue is found in multiple mammalian species, which suggests that this missense change does not adversely affect protein function. In summary, the available evidence is currently insufficient to determine the role of this variant in disease. Therefore, it has been classified as a Variant of Uncertain Significance.

NM_001278669.2(NFATC1):c.2203G>A (p.Ala735Thr)

Gene: NFATC1 (nuclear factor of activated T cells 1; plus strand). Cytogenetic location: 18q23.
Variant type: single nucleotide variant.
Coding change: c.2203G>A on transcript NM_001278669.2 (MANE Select); coding-DNA position 2203, G replaced by A.
Protein change: p.Ala735Thr; replaces alanine 735 with threonine.
Molecular consequence: missense variant. On other transcripts: intron variant (2).
Genome position (GRCh38, 1-based): chr18:79,486,358, G>A. VCF-style: chr18-79486358-G-A. GRCh37 (hg19) VCF-style: chr18-77246358-G-A.
Other names: c.787G>A, p.Ala263Thr (NM_001278673.2, NM_172388.3); c.2203G>A, p.Ala735Thr (NM_006162.5); c.2164G>A, p.Ala722Thr (NM_172387.3, NM_172389.3); c.2092+18776G>A (NM_001278670.2); c.2053+18776G>A (NM_001278672.2); c.2164G>A (NM_172387.1); short protein forms A263T, A722T, A735T.
Identifiers: ClinVar variation 2156517 (VCV002156517.6), dbSNP rs372330806, ClinGen allele CA9009555.